The following is an entry in ClinVar:

NM_024675.4(PALB2):c.2373del (p.Ser792fs)

Gene: PALB2 (partner and localizer of BRCA2; minus strand). Cytogenetic location: 16p12.2.
Variant type: Deletion.
Coding change: c.2373del on transcript NM_024675.4 (MANE Select); coding-DNA position 2373, one base deleted (G; older notation c.2373delG).
Protein change: p.Ser792fs; shifts the reading frame from serine 792.
Molecular consequence: frameshift variant. On other transcripts: intron variant (1).
Genome position (GRCh38, 1-based): chr16:23,629,781, C deleted on the plus strand (G on the coding strand, the reverse complement: PALB2 is on the minus strand). VCF-style (leftmost placement, unchanged base first): chr16-23629780-AC-A. GRCh37 (hg19) VCF-style: chr16-23641101-AC-A.
Other names: c.2313del, p.Ser772fs (NM_001407296.1); c.2373del, p.Ser792fs (NM_001407297.1, NM_001407298.1, NM_001407299.1 and 3 more transcripts); c.1488del, p.Ser497fs (NM_001407304.1, NM_001407305.1, NM_001407306.1 and 5 more transcripts); c.585del, p.Ser196fs (NM_001407312.1, NM_001407313.1); c.49-506del (NM_001407314.1); short protein forms S792fs, S497fs, S196fs, S772fs.
Identifiers: ClinVar variation 2453304 (VCV002453304.2), dbSNP rs2506408745, ClinGen allele CA2580091329.

ClinVar aggregate classification (germline): Pathogenic (1 of 4 stars; one submission).

Conditions:
Hereditary cancer-predisposing syndrome. Also called: Neoplastic Syndromes, Hereditary; Tumor predisposition; Hereditary neoplastic syndrome; Hereditary Cancer Syndrome. Identifiers: Orphanet 140162, MedGen C0027672, MeSH D009386, MONDO:0015356.

Submission:

Ambry Genetics
Classification: Pathogenic for Hereditary cancer-predisposing syndrome. Last evaluated: 2023-02-14. Review status: criteria provided, single submitter. Criteria: Ambry Variant Classification Scheme 2023. Collection method: clinical testing. Allele origin: germline.
Comment: The c.2373delG pathogenic mutation, located in coding exon 5 of the PALB2 gene, results from a deletion of one nucleotide at nucleotide position 2373, causing a translational frameshift with a predicted alternate stop codon (p.S792Qfs*59). This variant is considered to be rare based on population cohorts in the Genome Aggregation Database (gnomAD). This alteration is expected to result in loss of function by premature protein truncation or nonsense-mediated mRNA decay. As such, this alteration is interpreted as a disease-causing mutation.